The following is an entry in ClinVar:

NM_003673.4(TCAP):c.330del (p.Ile111fs)

Gene: TCAP (titin-cap; plus strand). Cytogenetic location: 17q12.
Variant type: Deletion.
Coding change: c.330del on transcript NM_003673.4 (MANE Select); coding-DNA position 330, one base deleted (C; older notation c.330delC).
Protein change: p.Ile111fs; shifts the reading frame from isoleucine 111.
Molecular consequence: frameshift variant.
Genome position (GRCh38, 1-based): chr17:39,665,935, C deleted; the last of 5 consecutive C bases (chr17:39,665,931-39,665,935); deleting any one gives the same sequence. VCF-style (leftmost placement, unchanged base first): chr17-39665930-AC-A. GRCh37 (hg19) VCF-style: chr17-37822183-AC-A.
Other names: short protein forms I111fs.
Identifiers: ClinVar variation 1434453 (VCV001434453.8), dbSNP rs2057251924, ClinGen allele CA2259200824.
Genomic context (GRCh38, chr17:39,665,930, plus strand): 5'-CTGCCGCTGCCCATCTTCACCCCTGCCAAGATGGGCGCCACCAAGGAGGAGCGTGAGGAC[AC>A]CCCCATCCAGCTTCAGGAGCTGCTGGCGCTGGAGACAGCCCTGGGTGGCCAGTGTGTGGA-3'

ClinVar aggregate classification (germline): Uncertain significance. Review status: criteria provided, multiple submitters, no conflicts (2 of 4 stars). 2 submissions from 2 submitters: Uncertain significance (2). Last evaluated 2021-09-16.

Conditions:
Cardiovascular phenotype. Identifiers: MedGen CN230736.
Hypertrophic cardiomyopathy 25 (CMH25). Also called: CARDIOMYOPATHY, FAMILIAL HYPERTROPHIC, 25. Identifiers: MedGen C4225408, MONDO:0011843, OMIM 607487.
Primary familial hypertrophic cardiomyopathy (HCM). Identifiers: Orphanet 99739, MedGen C0949658, MeSH D024741, MONDO:0024573. Inheritance: Various modes of inheritance.

Submissions (2):

Labcorp Genetics (formerly Invitae), Labcorp
Classification: Uncertain significance for Hypertrophic cardiomyopathy 25; Primary familial hypertrophic cardiomyopathy. Last evaluated: 2021-09-16. Review status: criteria provided, single submitter. Criteria: Invitae Variant Classification Sherloc (09022015). Collection method: clinical testing. Allele origin: germline.
Comment: This sequence change results in a frameshift in the TCAP gene (p.Ile111Serfs*77). While this is not anticipated to result in nonsense mediated decay, it is expected to disrupt the last 57 amino acid(s) of the TCAP protein and extend the protein by 19 additional amino acid residues. This variant is not present in population databases (ExAC no frequency). This variant has not been reported in the literature in individuals with TCAP-related conditions. Experimental studies and prediction algorithms are not available or were not evaluated, and the functional significance of this variant is currently unknown. In summary, the available evidence is currently insufficient to determine the role of this variant in disease. Therefore, it has been classified as a Variant of Uncertain Significance.

Ambry Genetics
Classification: Uncertain significance for Cardiovascular phenotype. Last evaluated: 2020-09-23. Review status: criteria provided, single submitter. Criteria: Ambry Variant Classification Scheme 2023. Collection method: clinical testing. Allele origin: germline.
Comment: The c.330delC variant, located in coding exon 2 of the TCAP gene, results from a deletion of one nucleotide at nucleotide position 330, causing a translational frameshift with a predicted alternate stop codon (p.I111Sfs*77). This alteration occurs at the 3' terminus of theTCAP gene, is not expected to trigger nonsense-mediated mRNAdecay and results in the elongation of the protein by 19 amino acids. This frameshift impacts the last 57amino acids of the native protein. The exact functional effect of the altered amino acids is unknown. In addition, although loss of function alterations are pathogenic for autosomal recessive limb girdle muscular dystrophy, loss of function is not an established mechanism of disease for autosomal dominant cardiomyopathy. Since supporting evidence is limited at this time, the clinical significance of this alteration remains unclear.